The following continues an entry in ClinVar:

NM_000059.4(BRCA2):c.8830A>T (p.Ile2944Phe)

Gene: BRCA2. ClinVar aggregate classification (germline): Benign. Benign (1).

Submissions 19 to 39 of 39:

Molecular Genetics Laboratory, University of Michigan
Classification: Benign for Breast-ovarian cancer, familial, susceptibility to, 2. Last evaluated: 2014-11-03. Review status: criteria provided, single submitter. Criteria: ACMG Guidelines, 2015. Collection method: clinical testing. Allele origin: germline. Affected: yes. Not counted in ClinVar's aggregate classification.

Pathway Genomics
Classification: Benign for Breast-ovarian cancer, familial 2. Last evaluated: 2014-10-30. Review status: criteria provided, single submitter. Criteria: ACMG Guidelines, 2015. Collection method: clinical testing. Allele origin: germline. Not counted in ClinVar's aggregate classification.

Eurofins Ntd Llc (ga)
Classification: Benign. Last evaluated: 2014-07-15. Review status: criteria provided, single submitter. Criteria: EGL Classification Definitions 2015. Collection method: clinical testing. Allele origin: germline. Observed: 2 variant alleles, 2 heterozygotes. Not counted in ClinVar's aggregate classification.

Ambry Genetics
Classification: Benign for Hereditary cancer-predisposing syndrome. Last evaluated: 2014-06-16. Review status: criteria provided, single submitter. Criteria: Ambry Variant Classification Scheme 2023. Collection method: clinical testing. Allele origin: germline. Not counted in ClinVar's aggregate classification.

Women's Health and Genetics/Laboratory Corporation of America, LabCorp
Classification: Benign for Hereditary breast ovarian cancer syndrome. Last evaluated: 2014-01-20. Review status: criteria provided, single submitter. Criteria: LabCorp Variant Classification Summary - May 2015. Collection method: clinical testing. Allele origin: germline. Not counted in ClinVar's aggregate classification.

GeneDx
Classification: Benign. Last evaluated: 2013-09-17. Review status: criteria provided, single submitter. Criteria: GeneDx Variant Classification (06012015). Collection method: clinical testing. Allele origin: germline. Affected: yes. Not counted in ClinVar's aggregate classification.
Comment: This variant is considered likely benign or benign based on one or more of the following criteria: it is a conservative change, it occurs at a poorly conserved position in the protein, it is predicted to be benign by multiple in silico algorithms, and/or has population frequency not consistent with disease.

Breakthrough Genomics
Classification: Benign. Review status: criteria provided, single submitter. Criteria: ACMG Guidelines, 2015. Collection method: not provided. Allele origin: germline. Inheritance: Autosomal recessive inheritance. Affected: yes. Not counted in ClinVar's aggregate classification.

Clinical and Functional Genomics Group, A.C.Camargo Cancer Center
Classification: Uncertain significance for Breast Cancer. Review status: criteria provided, single submitter. Criteria: Carraro et al. (PLoS One. 2013). Collection method: research. Allele origin: germline. Affected: yes. Not counted in ClinVar's aggregate classification.

PreventionGenetics, part of Exact Sciences
Classification: Benign. Review status: criteria provided, single submitter. Criteria: ACMG Guidelines, 2015. Collection method: clinical testing. Allele origin: germline. Not counted in ClinVar's aggregate classification.

True Health Diagnostics
Classification: Benign for Hereditary cancer-predisposing syndrome. Last evaluated: 2017-11-14. Review status: no assertion criteria provided. Collection method: clinical testing. Allele origin: germline. Not counted in ClinVar's aggregate classification.

Mayo Clinic Laboratories, Mayo Clinic
Classification: Benign. Last evaluated: 2017-10-11. Review status: no assertion criteria provided. Collection method: clinical testing. Allele origin: unknown. Not counted in ClinVar's aggregate classification.

Counsyl
Classification: Benign for Breast-ovarian cancer, familial 2. Last evaluated: 2014-02-20. Review status: no assertion criteria provided. Collection method: literature only. Allele origin: unknown. Inheritance: Autosomal dominant inheritance. Not counted in ClinVar's aggregate classification.

ITMI
No classification provided. Condition: AllHighlyPenetrant. Last evaluated: 2013-09-19. Review status: no classification provided. Collection method: reference population. Allele origin: germline. Not counted in ClinVar's aggregate classification.
Comment: Please see associated publication for description of ethnicities

Biesecker Lab/Clinical Genomics Section, National Institutes of Health
Classification: Benign. Last evaluated: 2012-07-13. Review status: no assertion criteria provided. Collection method: research. Allele origin: germline. Affected: no. Observed: 2 variant alleles. Study: ClinSeq. Not counted in ClinVar's aggregate classification.
ClinVar note: Converted during submission from no known pathogenicity to Benign.

Sharing Clinical Reports Project (SCRP)
Classification: Benign for Breast-ovarian cancer, familial 2. Last evaluated: 2012-05-01. Review status: no assertion criteria provided. Collection method: clinical testing. Allele origin: germline. Not counted in ClinVar's aggregate classification.

Breast Cancer Information Core (BIC) (BRCA2)
Classification: Uncertain significance for Breast-ovarian cancer, familial 2. Last evaluated: 2002-05-29. Review status: no assertion criteria provided. Collection method: clinical testing. Allele origin: germline. Affected: yes. Observed: 115 variant alleles. Not counted in ClinVar's aggregate classification.

Clinical Genetics Laboratory, Department of Pathology, Netherlands Cancer Institute
Classification: Benign. Review status: no assertion criteria provided. Collection method: clinical testing. Allele origin: germline. Affected: yes. Study: VKGL Data-share Consensus. Not counted in ClinVar's aggregate classification.

Department of Pathology and Laboratory Medicine, Sinai Health System
Classification: Benign. Review status: no assertion criteria provided. Collection method: clinical testing. Allele origin: unknown. Affected: yes. Study: The Canadian Open Genetics Repository (COGR). Not counted in ClinVar's aggregate classification.
Comment: The p.Ile2944Phe variant has been previously reported in the literature (Johnson 2007, Wagner 1999, Fackenthal 2005, Kim 2005). It has been previously identified in 6 out of 2146 proband chromosomes (frequency 0.003) in individuals with Breast Cancer, and in 3 out of 5110 control chromosomes (frequency 0.001). The Exome Variant Server has listed this variant in 1 out of 8599 genotype counts in a European American population, and 181 out 4225 genotype counts (frequency: 0.043) in an African American population, consistent with the observation that this variant was seen primarily in individuals of African decent in the literature above, and increasing the likelihood this is a common or benign polymorphism. This variant is listed in the BIC database under 115 entries as a variant with unknown clinical importance. It is also listed in the dbSNP database (ID#: rs4987047) with a minor allele frequency of 0.008 (1000 genomes) and up to 15% in some populations. The p.Ile2944 residue is conserved in the mammals and lower species examined, except in Opposum and Zebrafish where a Leucine (Leu) was present at this position, and increasing the likelihood an alteration to this residue may not have functional significance. In the UMD database, this variant has been identified in 1 out of 4 individuals with breast or ovarian cancers, where a second pathogenic BRCA2 mutation was also detected. Computational analyses (AlignGVGD, PolyPhen2, SIFT, BLOSUM) provide inconsistent predictions regarding the impact to the protein; however, this information is not predictive enough to assume pathogenicity. However, functional studies including protein structure prediction, detection of full-length protein, no homologous recombination, no effect on splicing, and sensitivity to DNA damaging reagents, predict this variant to be "non-pathogenic" (Biswas 2012). Finally, Myriad reports this variant as a polymorphism (personal communication). In summary, the clinical significance of this variant cannot be determined with certainty at this time, although we would lean towards a more benign role for this variant. This variant is classified as Benign.

Diagnostic Laboratory, Department of Genetics, University Medical Center Groningen
Classification: Benign for Breast-ovarian cancer, familial, susceptibility to, 2. Review status: no assertion criteria provided. Collection method: clinical testing. Allele origin: germline. Affected: yes. Study: VKGL Data-share Consensus. Not counted in ClinVar's aggregate classification.

Joint Genome Diagnostic Labs from Nijmegen and Maastricht, Radboudumc and MUMC+
Classification: Benign. Review status: no assertion criteria provided. Collection method: clinical testing. Allele origin: germline. Affected: yes. Study: VKGL Data-share Consensus. Not counted in ClinVar's aggregate classification.

Laboratory of Diagnostic Genome Analysis, Leiden University Medical Center (LUMC)
Classification: Benign. Review status: no assertion criteria provided. Collection method: clinical testing. Allele origin: germline. Affected: yes. Study: VKGL Data-share Consensus. Not counted in ClinVar's aggregate classification.

Literature cited by the submitters: DOI 10.3389/fgene.2022.834265 (cited by National Health Laboratory Service, Universitas Academic Hospital and University of the Free State); PubMed 36329109 (cited by Genetics Program, Instituto Nacional de Cancer); PubMed 24728327 (cited by Illumina Laboratory Services, Illumina and ITMI); PubMed 24323938 (cited by Illumina Laboratory Services, Illumina); PubMed 23469205 (cited by 3 submitters); PubMed 24372583 (cited by Illumina Laboratory Services, Illumina); PubMed 15744044 (cited by Illumina Laboratory Services, Illumina); PubMed 22678057 (cited by 3 submitters); PubMed 22684231 (cited by Illumina Laboratory Services, Illumina and Pathway Genomics); PubMed 25556971 (cited by Illumina Laboratory Services, Illumina); PubMed 18284688 (cited by Pathway Genomics); PubMed 22995991 (cited by Women's Health and Genetics/Laboratory Corporation of America, LabCorp and Counsyl); PubMed 21520273 (cited by Women's Health and Genetics/Laboratory Corporation of America, LabCorp and Counsyl); PubMed 19043619 (cited by Women's Health and Genetics/Laboratory Corporation of America, LabCorp and Counsyl); PubMed 21952622 (cited by Women's Health and Genetics/Laboratory Corporation of America, LabCorp); PubMed 9971877 (cited by Women's Health and Genetics/Laboratory Corporation of America, LabCorp); PubMed 15635067 (cited by Women's Health and Genetics/Laboratory Corporation of America, LabCorp); PubMed 23633455 (cited by Women's Health and Genetics/Laboratory Corporation of America, LabCorp and Counsyl); PubMed 23231788 (cited by Women's Health and Genetics/Laboratory Corporation of America, LabCorp and Counsyl); PubMed 22505045 (cited by Women's Health and Genetics/Laboratory Corporation of America, LabCorp); PubMed 24884479 (cited by Clinical and Functional Genomics Group, A.C.Camargo Cancer Center); PubMed 15533909 (cited by Counsyl); PubMed 9771877 (cited by Counsyl); PubMed 17341484 (cited by Counsyl); PubMed 16683254 (cited by Counsyl); PubMed 23320992 (cited by Counsyl).